The following is an entry in ClinVar:

NM_004304.5(ALK):c.463G>A (p.Val155Ile)

Gene: ALK (ALK receptor tyrosine kinase; minus strand). Cytogenetic location: 2p23.1.
Variant type: single nucleotide variant.
Coding change: c.463G>A on transcript NM_004304.5 (MANE Select); coding-DNA position 463, G replaced by A.
Protein change: p.Val155Ile; replaces valine 155 with isoleucine.
Molecular consequence: missense variant.
Genome position (GRCh38, 1-based): chr2:29,920,197, C>T on the plus strand (G>A on the coding strand, the complement: ALK is on the minus strand). VCF-style: chr2-29920197-C-T. GRCh37 (hg19) VCF-style: chr2-30143063-C-T.
Other names: short protein forms V155I.
Identifiers: ClinVar variation 1016540 (VCV001016540.12), dbSNP rs751920643, ClinGen allele CA346589992.
Genomic context (GRCh38, chr2:29,920,197, plus strand): 5'-TGAACAGCTCGCTGAGATTGAACTGGAGCAGCCCCACAGCCGCCTCCCCGGGGGGCCCGA[C>T]GCAACCCTCCAAGATCGCCTCCTCGCCCAGCTCCAGCACCAACTGCTTGGCACGCCGGAG-3'
Protein context (NP_004295.2, residues 145-165): LGEEAILEGC[Val155Ile]GPPGEAAVGL

ClinVar aggregate classification (germline): Uncertain significance. Review status: criteria provided, multiple submitters, no conflicts (2 of 4 stars). 2 submissions from 2 submitters: Uncertain significance (2). Last evaluated 2025-01-05.

Conditions:
Hereditary cancer-predisposing syndrome. Also called: Tumor predisposition; Hereditary Cancer Syndrome; Neoplastic Syndromes, Hereditary; Hereditary neoplastic syndrome. Identifiers: Orphanet 140162, MedGen C0027672, MeSH D009386, MONDO:0015356.
Neuroblastoma, susceptibility to, 3. Also called: ALK-Related Neuroblastic Tumor Susceptibility. Identifiers: Orphanet 635, MedGen C2751681, MONDO:0013083, OMIM 613014.

gnomAD v4.1: 1 of 1,613,440 alleles (0.000062%); highest among the groups gnomAD compares: Non-Finnish European, 0.000085%; no homozygotes.

Submissions (2):

Ambry Genetics
Classification: Uncertain significance for Hereditary cancer-predisposing syndrome. Last evaluated: 2025-01-05. Review status: criteria provided, single submitter. Criteria: Ambry Variant Classification Scheme 2023. Collection method: clinical testing. Allele origin: germline.
Comment: The p.V155I variant (also known as c.463G>A), located in coding exon 1 of the ALK gene, results from a G to A substitution at nucleotide position 463. The valine at codon 155 is replaced by isoleucine, an amino acid with highly similar properties. This amino acid position is conserved. In addition, this alteration is predicted to be tolerated by in silico analysis. Since supporting evidence is limited at this time, the clinical significance of this alteration remains unclear.

Labcorp Genetics (formerly Invitae), Labcorp
Classification: Uncertain significance for Neuroblastoma, susceptibility to, 3. Last evaluated: 2024-04-29. Review status: criteria provided, single submitter. Criteria: Invitae Variant Classification Sherloc (09022015). Collection method: clinical testing. Allele origin: germline.
Comment: This sequence change replaces valine, which is neutral and non-polar, with isoleucine, which is neutral and non-polar, at codon 155 of the ALK protein (p.Val155Ile). This variant is not present in population databases (gnomAD no frequency). This variant has not been reported in the literature in individuals affected with ALK-related conditions. ClinVar contains an entry for this variant (Variation ID: 1016540). Algorithms developed to predict the effect of missense changes on protein structure and function output the following: SIFT: "Not Available"; PolyPhen-2: "Benign"; Align-GVGD: "Not Available". The isoleucine amino acid residue is found in multiple mammalian species, which suggests that this missense change does not adversely affect protein function. In summary, the available evidence is currently insufficient to determine the role of this variant in disease. Therefore, it has been classified as a Variant of Uncertain Significance.